The following is an entry in ClinVar:

ClinVar aggregate classification (germline): Uncertain significance (1 of 4 stars; one submission).

Conditions:
Senior-Loken syndrome 7 (SLSN7). Identifiers: Orphanet 3156, MedGen C3150877, MONDO:0013326, OMIM 613615.
Bardet-Biedl syndrome 16 (BBS16). Identifiers: Orphanet 110, MedGen C3889474, MONDO:0014444, OMIM 615993.

Allele frequency attached by ClinVar (database versions not stated): gnomAD exomes below 0.00001.
gnomAD v4.1: 2 of 1,613,756 alleles (0.00012%); highest among the groups gnomAD compares: African/African-American, 0.0013%; no homozygotes.

Submission:

Labcorp Genetics (formerly Invitae), Labcorp
Classification: Uncertain significance for Bardet-Biedl syndrome 16; Senior-Loken syndrome 7. Last evaluated: 2022-06-10. Review status: criteria provided, single submitter. Criteria: Invitae Variant Classification Sherloc (09022015). Collection method: clinical testing. Allele origin: germline.
Comment: This sequence change replaces glutamic acid, which is acidic and polar, with lysine, which is basic and polar, at codon 566 of the SDCCAG8 protein (p.Glu566Lys). This variant is present in population databases (no rsID available, gnomAD 0.007%). This variant has not been reported in the literature in individuals affected with SDCCAG8-related conditions. Algorithms developed to predict the effect of missense changes on protein structure and function are either unavailable or do not agree on the potential impact of this missense change (SIFT: "Tolerated"; PolyPhen-2: "Probably Damaging"; Align-GVGD: "Class C0"). In summary, the available evidence is currently insufficient to determine the role of this variant in disease. Therefore, it has been classified as a Variant of Uncertain Significance.

NM_006642.5(SDCCAG8):c.1696G>A (p.Glu566Lys)

Gene: SDCCAG8 (SHH signaling and ciliogenesis regulator SDCCAG8; plus strand). Cytogenetic location: 1q43.
Variant type: single nucleotide variant.
Coding change: c.1696G>A on transcript NM_006642.5 (MANE Select); coding-DNA position 1696, G replaced by A.
Protein change: p.Glu566Lys; replaces glutamic acid 566 with lysine.
Molecular consequence: missense variant.
Genome position (GRCh38, 1-based): chr1:243,415,781, G>A. VCF-style: chr1-243415781-G-A. GRCh37 (hg19) VCF-style: chr1-243579083-G-A.
Other names: c.793G>A, p.Glu265Lys (NM_001350246.2, NM_001350247.2, NM_001350251.2); c.1792G>A, p.Glu598Lys (NM_001350248.2); c.1402G>A, p.Glu468Lys (NM_001350249.2); short protein forms E566K, E468K, E265K, E598K.
Identifiers: ClinVar variation 2004394 (VCV002004394.4), dbSNP rs1483986069, ClinGen allele CA345667249.